The following is an entry in ClinVar:

NM_005458.8(GABBR2):c.1882T>G (p.Tyr628Asp)

Gene: GABBR2 (gamma-aminobutyric acid type B receptor subunit 2; minus strand). Cytogenetic location: 9q22.33.
Variant type: single nucleotide variant.
Coding change: c.1882T>G on transcript NM_005458.8 (MANE Select); coding-DNA position 1882, T replaced by G.
Protein change: p.Tyr628Asp; replaces tyrosine 628 with aspartic acid.
Molecular consequence: missense variant.
Genome position (GRCh38, 1-based): chr9:98,362,726, A>C on the plus strand (T>G on the coding strand, the complement: GABBR2 is on the minus strand). VCF-style: chr9-98362726-A-C. GRCh37 (hg19) VCF-style: chr9-101125008-A-C.
Other names: short protein forms Y628D.
Identifiers: ClinVar variation 4745032 (VCV004745032.1).

ClinVar aggregate classification (germline): Uncertain significance (1 of 4 stars; one submission).

Conditions:
Epileptic encephalopathy. Identifiers: MedGen C0543888, HP:0200134.

Submission:

Labcorp Genetics (formerly Invitae), Labcorp
Classification: Uncertain significance for Epileptic encephalopathy. Last evaluated: 2025-09-23. Review status: criteria provided, single submitter. Criteria: Invitae Variant Classification Sherloc (09022015). Collection method: clinical testing. Allele origin: germline.
Comment: This sequence change replaces tyrosine, which is neutral and polar, with aspartic acid, which is acidic and polar, at codon 628 of the GABBR2 protein (p.Tyr628Asp). This variant is not present in population databases (gnomAD no frequency). This variant has not been reported in the literature in individuals affected with GABBR2-related conditions. Invitae Evidence Modeling of protein sequence and biophysical properties (such as structural, functional, and spatial information, amino acid conservation, physicochemical variation, residue mobility, and thermodynamic stability) indicates that this missense variant is not expected to disrupt GABBR2 protein function with a negative predictive value of 80%. In summary, the available evidence is currently insufficient to determine the role of this variant in disease. Therefore, it has been classified as a Variant of Uncertain Significance.